The following is an entry in ClinVar:

NM_021620.4(PRDM13):c.1029G>C (p.Glu343Asp)

Genes: PRDM13 (PR/SET domain 13; plus strand), LOC129996881 (ATAC-STARR-seq lymphoblastoid silent region 17422; plus strand). Cytogenetic location: 6q16.2.
Variant type: single nucleotide variant.
Coding change: c.1029G>C on transcript NM_021620.4 (MANE Select); coding-DNA position 1029, G replaced by C.
Protein change: p.Glu343Asp; replaces glutamic acid 343 with aspartic acid.
Molecular consequence: missense variant.
Genome position (GRCh38, 1-based): chr6:99,613,664, G>C. VCF-style: chr6-99613664-G-C. GRCh37 (hg19) VCF-style: chr6-100061540-G-C.
Other names: short protein forms E343D.
Identifiers: ClinVar variation 1384131 (VCV001384131.8), dbSNP rs893452226, ClinGen allele CA143975414.

ClinVar aggregate classification (germline): Uncertain significance (1 of 4 stars; one submission).

Allele frequency attached by ClinVar (database versions not stated): gnomAD exomes below 0.00001; TOPMed 0.00003.
gnomAD v4.1: 5 of 1,424,666 alleles (0.00035%); highest among the groups gnomAD compares: African/African-American, 0.0061%; no homozygotes.

Submission:

Labcorp Genetics (formerly Invitae), Labcorp
Classification: Uncertain significance. Last evaluated: 2022-07-12. Review status: criteria provided, single submitter. Criteria: Invitae Variant Classification Sherloc (09022015). Collection method: clinical testing. Allele origin: germline.
Comment: This variant is present in population databases (no rsID available, gnomAD 0.01%). This sequence change replaces glutamic acid, which is acidic and polar, with aspartic acid, which is acidic and polar, at codon 343 of the PRDM13 protein (p.Glu343Asp). ClinVar contains an entry for this variant (Variation ID: 1384131). Algorithms developed to predict the effect of missense changes on protein structure and function (SIFT, PolyPhen-2, Align-GVGD) all suggest that this variant is likely to be tolerated. In summary, the available evidence is currently insufficient to determine the role of this variant in disease. Therefore, it has been classified as a Variant of Uncertain Significance. This variant has not been reported in the literature in individuals affected with PRDM13-related conditions.